The following is an entry in ClinVar:

ClinVar aggregate classification (germline): Uncertain significance. Review status: criteria provided, multiple submitters, no conflicts (2 of 4 stars). 3 submissions from 3 submitters: Uncertain significance (2). 1 of the submissions does not count toward it. Last evaluated 2022-02-04.

Conditions:
Retinitis pigmentosa 25 (RP25). Identifiers: Orphanet 791, MedGen C1864446, MONDO:0011272, OMIM 602772.

Allele frequency attached by ClinVar (database versions not stated): gnomAD 0.00001; TOPMed 0.00002.
gnomAD v4.1: 47 of 1,596,378 alleles (0.0029%); highest among the groups gnomAD compares: Non-Finnish European, 0.0038%; no homozygotes.

Submissions (3):

Labcorp Genetics (formerly Invitae), Labcorp
Classification: Uncertain significance. Last evaluated: 2022-02-04. Review status: criteria provided, single submitter. Criteria: Invitae Variant Classification Sherloc (09022015). Collection method: clinical testing. Allele origin: germline.
Comment: This sequence change replaces glutamine, which is neutral and polar, with lysine, which is basic and polar, at codon 285 of the EYS protein (p.Gln285Lys). This variant is present in population databases (no rsID available, gnomAD 0.002%). This variant has not been reported in the literature in individuals affected with EYS-related conditions. ClinVar contains an entry for this variant (Variation ID: 1047152). Algorithms developed to predict the effect of missense changes on protein structure and function (SIFT, PolyPhen-2, Align-GVGD) all suggest that this variant is likely to be tolerated. In summary, the available evidence is currently insufficient to determine the role of this variant in disease. Therefore, it has been classified as a Variant of Uncertain Significance.

Fulgent Genetics
Classification: Uncertain significance for Retinitis pigmentosa 25. Last evaluated: 2021-12-16. Review status: criteria provided, single submitter. Criteria: ACMG Guidelines, 2015. Collection method: clinical testing. Allele origin: unknown.

Natera, Inc.
Classification: Uncertain significance for Retinitis pigmentosa type 25. Last evaluated: 2020-07-22. Review status: no assertion criteria provided. Collection method: clinical testing. Allele origin: germline. Not counted in ClinVar's aggregate classification.

NM_001142800.2(EYS):c.853C>A (p.Gln285Lys)

Gene: EYS (eyes shut homolog; minus strand). Cytogenetic location: 6q12.
Variant type: single nucleotide variant.
Coding change: c.853C>A on transcript NM_001142800.2 (MANE Select); coding-DNA position 853, C replaced by A.
Protein change: p.Gln285Lys; replaces glutamine 285 with lysine.
Molecular consequence: missense variant.
Genome position (GRCh38, 1-based): chr6:65,490,603, G>T on the plus strand (C>A on the coding strand, the complement: EYS is on the minus strand). VCF-style: chr6-65490603-G-T. GRCh37 (hg19) VCF-style: chr6-66200496-G-T.
Other names: c.853C>A, p.Gln285Lys (NM_001142801.2, NM_001292009.2, NM_198283.2); short protein forms Q285K.
Identifiers: ClinVar variation 1047152 (VCV001047152.4), dbSNP rs988163418, ClinGen allele CA140434459.